The following is an entry in ClinVar:

NM_004380.3(CREBBP):c.1824C>G (p.Leu608=)

Gene: CREBBP (CREB binding lysine acetyltransferase; minus strand). Cytogenetic location: 16p13.3.
Variant type: single nucleotide variant.
Coding change: c.1824C>G on transcript NM_004380.3 (MANE Select); coding-DNA position 1824, C replaced by G.
Protein change: p.Leu608=; no amino-acid change (leucine 608 retained).
Molecular consequence: synonymous variant.
Genome position (GRCh38, 1-based): chr16:3,778,817, G>C on the plus strand (C>G on the coding strand, the complement: CREBBP is on the minus strand). VCF-style: chr16-3778817-G-C. GRCh37 (hg19) VCF-style: chr16-3828818-G-C.
Other names: c.1824C>G (NM_004380.2); c.1710C>G, p.Leu570= (NM_001079846.1).
Identifiers: ClinVar variation 1433078 (VCV001433078.8), dbSNP rs753242611, ClinGen allele CA276973995.

ClinVar aggregate classification (germline): Conflicting classifications of pathogenicity. Review status: criteria provided, conflicting classifications (1 of 4 stars). 3 submissions from 3 submitters: Uncertain significance (1); Likely benign (1). 1 of the submissions does not count toward it. Last evaluated 2024-05-02.

Conditions:
CREBBP-related disorder. Also called: CREBBP-related condition; CREBBP-related disorders.
Inborn genetic diseases. Identifiers: MedGen C0950123, MeSH D030342.
Rubinstein-Taybi syndrome (RSTS). Identifiers: Orphanet 783, MedGen C0035934, MONDO:0019188.

Allele frequency attached by ClinVar (database versions not stated): gnomAD 0.00002.

Submissions (3):

Ambry Genetics
Classification: Likely benign for Inborn genetic diseases. Last evaluated: 2024-05-02. Review status: criteria provided, single submitter. Criteria: Ambry Variant Classification Scheme 2023. Collection method: clinical testing. Allele origin: germline.

Labcorp Genetics (formerly Invitae), Labcorp
Classification: Uncertain significance for Rubinstein-Taybi syndrome. Last evaluated: 2021-11-29. Review status: criteria provided, single submitter. Criteria: Invitae Variant Classification Sherloc (09022015). Collection method: clinical testing. Allele origin: germline.
Comment: In summary, the available evidence is currently insufficient to determine the role of this variant in disease. Therefore, it has been classified as a Variant of Uncertain Significance. Algorithms developed to predict the effect of sequence changes on RNA splicing suggest that this variant is not likely to affect RNA splicing. This variant has not been reported in the literature in individuals affected with CREBBP-related conditions. This variant is not present in population databases (gnomAD no frequency). This sequence change affects codon 608 of the CREBBP mRNA. It is a 'silent' change, meaning that it does not change the encoded amino acid sequence of the CREBBP protein. It affects a nucleotide within the consensus splice site.

PreventionGenetics, part of Exact Sciences
Classification: Likely benign for CREBBP-related condition. Last evaluated: 2022-08-17. Review status: no assertion criteria provided. Collection method: clinical testing. Allele origin: germline. Not counted in ClinVar's aggregate classification.
Comment: This variant is classified as likely benign based on ACMG/AMP sequence variant interpretation guidelines (Richards et al. 2015 PMID: 25741868, with internal and published modifications).